The following is an entry in ClinVar:

NM_001199107.2(TBC1D24):c.253C>G (p.His85Asp)

Gene: TBC1D24 (TBC1 domain family member 24; plus strand). Cytogenetic location: 16p13.3.
Variant type: single nucleotide variant.
Coding change: c.253C>G on transcript NM_001199107.2 (MANE Select); coding-DNA position 253, C replaced by G.
Protein change: p.His85Asp; replaces histidine 85 with aspartic acid.
Molecular consequence: missense variant.
Genome position (GRCh38, 1-based): chr16:2,496,401, C>G. VCF-style: chr16-2496401-C-G. GRCh37 (hg19) VCF-style: chr16-2546402-C-G.
Other names: c.253C>G, p.His85Asp (NM_020705.3); short protein forms H85D.
Identifiers: ClinVar variation 1015919 (VCV001015919.9), dbSNP rs2065739166, ClinGen allele CA394375191.

ClinVar aggregate classification (germline): Uncertain significance (1 of 4 stars; one submission).

Conditions:
Developmental and epileptic encephalopathy, 1 (DEE1). Also called: X-linked infantile spasms; West's syndrome; Tonic spasms with clustering, arrest of psychomotor development and hypsarrhythmia on EEG; X-Linked Infantile Spasm Syndrome; OHTAHARA SYNDROME, X-LINKED; Epileptic encephalopathy, early infantile, 1. Identifiers: MedGen C3463992, MONDO:0010632, OMIM 308350. Disease mechanism: loss of function.
Autosomal dominant nonsyndromic hearing loss 65. Also called: Deafness, autosomal dominant 65; TBC1D24-Related Autosomal Dominant Nonsyndromic Hearing Loss (DFNA). Identifiers: Orphanet 90635, MedGen C3892048, MONDO:0014470, OMIM 616044.

Allele frequency attached by ClinVar (database versions not stated): TOPMed below 0.00001.

Submission:

Labcorp Genetics (formerly Invitae), Labcorp
Classification: Uncertain significance for Developmental and epileptic encephalopathy, 1; Autosomal dominant nonsyndromic hearing loss 65. Last evaluated: 2020-08-20. Review status: criteria provided, single submitter. Criteria: Invitae Variant Classification Sherloc (09022015). Collection method: clinical testing. Allele origin: germline.
Comment: This sequence change replaces histidine with aspartic acid at codon 85 of the TBC1D24 protein (p.His85Asp). The histidine residue is moderately conserved and there is a moderate physicochemical difference between histidine and aspartic acid. This variant is not present in population databases (ExAC no frequency). This variant has not been reported in the literature in individuals with TBC1D24-related conditions. Advanced modeling of protein sequence and biophysical properties (such as structural, functional, and spatial information, amino acid conservation, physicochemical variation, residue mobility, and thermodynamic stability) performed at Invitae indicates that this missense variant is not expected to disrupt TBC1D24 protein function. In summary, the available evidence is currently insufficient to determine the role of this variant in disease. Therefore, it has been classified as a Variant of Uncertain Significance.